The following is an entry in ClinVar:

NM_000352.6(ABCC8):c.4373A>T (p.Gln1458Leu)

Gene: ABCC8 (ATP binding cassette subfamily C member 8; minus strand). Cytogenetic location: 11p15.1.
Variant type: single nucleotide variant.
Coding change: c.4373A>T on transcript NM_000352.6 (MANE Select); coding-DNA position 4373, A replaced by T.
Protein change: p.Gln1458Leu; replaces glutamine 1458 with leucine.
Molecular consequence: missense variant. On other transcripts: non-coding transcript variant (1).
Genome position (GRCh38, 1-based): chr11:17,395,210, T>A on the plus strand (A>T on the coding strand, the complement: ABCC8 is on the minus strand). VCF-style: chr11-17395210-T-A. GRCh37 (hg19) VCF-style: chr11-17416757-T-A.
Other names: c.4376A>T, p.Gln1459Leu (NM_001287174.3); c.4439A>T, p.Gln1480Leu (NM_001351295.2); c.4373A>T, p.Gln1458Leu (NM_001351296.2); c.4370A>T, p.Gln1457Leu (NM_001351297.2); short protein forms Q1457L, Q1458L, Q1459L, Q1480L.
Identifiers: ClinVar variation 4687677 (VCV004687677.1).

ClinVar aggregate classification (germline): Uncertain significance (1 of 4 stars; one submission).

Submission:

Women's Health and Genetics/Laboratory Corporation of America, LabCorp
Classification: Uncertain significance. Last evaluated: 2025-10-28. Review status: criteria provided, single submitter. Criteria: LabCorp Variant Classification Summary - May 2015. Collection method: clinical testing. Allele origin: germline.
Comment: Variant summary: ABCC8 c.4373A>T (p.Gln1458Leu) results in a non-conservative amino acid change in the encoded protein sequence. Algorithms developed to predict the effect of missense changes on protein structure and function all suggest that this variant is likely to be disruptive. The frequency data for this variant in gnomAD is considered unreliable, as metrics indicate poor data quality at this position. To our knowledge, no occurrence of c.4373A>T in individuals affected with ABCC8-related conditions and no experimental evidence demonstrating its impact on protein function have been reported. No submitters have cited clinical-significance assessments for this variant to ClinVar. Based on the evidence outlined above, the variant was classified as uncertain significance.